The following is an entry in ClinVar:

NM_001364905.1(LRBA):c.7762C>T (p.Gln2588Ter)

Gene: LRBA (LPS responsive beige-like anchor protein; minus strand). Cytogenetic location: 4q31.3.
Variant type: single nucleotide variant.
Coding change: c.7762C>T on transcript NM_001364905.1 (MANE Select); coding-DNA position 7762, C replaced by T.
Protein change: p.Gln2588Ter; replaces glutamine 2588 with a stop codon.
Molecular consequence: nonsense.
Genome position (GRCh38, 1-based): chr4:150,310,316, G>A on the plus strand (C>T on the coding strand, the complement: LRBA is on the minus strand). VCF-style: chr4-150310316-G-A. GRCh37 (hg19) VCF-style: chr4-151231468-G-A.
Other names: c.7762C>T, p.Gln2588Ter (NM_001199282.3); c.7777C>T, p.Gln2593Ter (NM_001367550.1, NM_001440431.1); c.7810C>T, p.Gln2604Ter (NM_001440430.1); c.1480C>T, p.Gln494Ter (NM_001440432.1); c.1474C>T, p.Gln492Ter (NM_001440433.1); c.7795C>T, p.Gln2599Ter (NM_006726.5); short protein forms Q2588*, Q2593*, Q2599*, Q2604*, Q492*, Q494*.
Identifiers: ClinVar variation 4845890 (VCV004845890.1).
Genomic context (GRCh38, chr4:150,310,316, plus strand): 5'-TTTTATCCCAGAAGCCACAGACGAGAATATAGCGGTTGTCTGAAGTGATGACAAAGCACT[G>A]GGAATGCACTTGAATACTTTGGTCTAAAAGGTCAGTGATTTGCCTCCTGTGCATTCCTGT-3'

ClinVar aggregate classification (germline): Likely pathogenic (1 of 4 stars; one submission).

Conditions:
Combined immunodeficiency due to LRBA deficiency. Also called: Common variable immunodeficiency 8, with autoimmunity. Identifiers: Orphanet 445018, MedGen C3553512, MONDO:0013863, OMIM 614700.

Submission:

First Genomix Gene Laboratory, Genetic Diagnostics Department
Classification: Likely pathogenic for Combined immunodeficiency due to LRBA deficiency. Last evaluated: 2025-05-01. Review status: criteria provided, single submitter. Criteria: ACMG Guidelines, 2015. Collection method: clinical testing. Allele origin: germline. Inheritance: Autosomal recessive inheritance. Affected: no. Observed: 1 variant allele.